The following is an entry in ClinVar:

ClinVar aggregate classification (germline): Benign/Likely benign. Review status: criteria provided, single submitter (1 of 4 stars). 2 submissions from 1 submitter: Benign (1); Likely benign (1). Last evaluated 2018-01-13.

Conditions:
Sacral defect with anterior meningocele. Identifiers: MedGen C1838568, OMIM 600145.
Neural tube defect (NTD). Also called: Neural tube defects. Identifiers: Orphanet 3388, Orphanet 823, MedGen C0027794, MONDO:0018075, HP:0045005.

Allele frequency attached by ClinVar (database versions not stated): gnomAD 0.00153 and 0.00198; gnomAD exomes 0.00206; TOPMed 0.00251; 1000 Genomes Project 30x 0.00593; 1000 Genomes Project 0.00639.
gnomAD v4.1: 406 of 206,118 alleles (0.2%); highest among the groups gnomAD compares: East Asian, 4.6%; 8 homozygotes.

Submissions (2):

Illumina Laboratory Services, Illumina
Classification: Likely benign for Neural tube defects, susceptibility to. Last evaluated: 2018-01-13. Review status: criteria provided, single submitter. Criteria: ICSL Variant Classification Criteria 13 December 2019. Collection method: clinical testing. Allele origin: germline.
Comment: This variant was observed in the ICSL laboratory as part of a predisposition screen in an ostensibly healthy population. It had not been previously curated by ICSL or reported in the Human Gene Mutation Database (HGMD: prior to June 1st, 2018), and was therefore a candidate for classification through an automated scoring system. Utilizing variant allele frequency, disease prevalence and penetrance estimates, and inheritance mode, an automated score was calculated to assess if this variant is too frequent to cause the disease. Based on the score and internal cut-off values, a variant classified as likely benign is not then subjected to further curation. The score for this variant resulted in a classification of likely benign for this disease.

Illumina Laboratory Services, Illumina
Classification: Benign for Sacral defect with anterior meningocele. Last evaluated: 2018-01-13. Review status: criteria provided, single submitter. Criteria: ICSL Variant Classification Criteria 13 December 2019. Collection method: clinical testing. Allele origin: germline.
Comment: This variant was observed in the ICSL laboratory as part of a predisposition screen in an ostensibly healthy population. It had not been previously curated by ICSL or reported in the Human Gene Mutation Database (HGMD: prior to June 1st, 2018), and was therefore a candidate for classification through an automated scoring system. Utilizing variant allele frequency, disease prevalence and penetrance estimates, and inheritance mode, an automated score was calculated to assess if this variant is too frequent to cause the disease. Based on the score and internal cut-off values, a variant classified as benign is not then subjected to further curation. The score for this variant resulted in a classification of benign for this disease.

NM_138959.3(VANGL1):c.*383C>G

Gene: VANGL1 (VANGL planar cell polarity protein 1; plus strand). Cytogenetic location: 1p13.1.
Variant type: single nucleotide variant.
Coding change: c.*383C>G on transcript NM_138959.3 (MANE Select); 383 bases downstream of the stop codon, C replaced by G.
Molecular consequence: 3 prime UTR variant.
Genome position (GRCh38, 1-based): chr1:115,691,762, C>G. VCF-style: chr1-115691762-C-G. GRCh37 (hg19) VCF-style: chr1-116234383-C-G.
Other names: c.*383C>G (NM_001172411.2, NM_001172412.2).
Identifiers: ClinVar variation 292022 (VCV000292022.5), dbSNP rs75277108, ClinGen allele CA10607541.